The following is an entry in ClinVar:

NM_000632.4(ITGAM):c.3174+1G>A

Gene: ITGAM (integrin subunit alpha M; plus strand). Cytogenetic location: 16p11.2.
Variant type: single nucleotide variant.
Coding change: c.3174+1G>A on transcript NM_000632.4 (MANE Select); the canonical splice donor site of the intron after coding-DNA position 3174, G replaced by A.
Molecular consequence: splice donor variant.
Genome position (GRCh38, 1-based): chr16:31,330,422, G>A. VCF-style: chr16-31330422-G-A. GRCh37 (hg19) VCF-style: chr16-31341743-G-A.
Other names: c.3177+1G>A (NM_001145808.2).
Identifiers: ClinVar variation 2116246 (VCV002116246.4), dbSNP rs2544508477, ClinGen allele CA395702501.

ClinVar aggregate classification (germline): Uncertain significance (1 of 4 stars; one submission).

Allele frequency attached by ClinVar (database versions not stated): gnomAD exomes below 0.00001.
gnomAD v4.1: 4 of 1,612,834 alleles (0.00025%); highest among the groups gnomAD compares: Non-Finnish European, 0.00034%; no homozygotes.

Submission:

Labcorp Genetics (formerly Invitae), Labcorp
Classification: Uncertain significance. Last evaluated: 2022-09-16. Review status: criteria provided, single submitter. Criteria: Invitae Variant Classification Sherloc (09022015). Collection method: clinical testing. Allele origin: germline.
Comment: In summary, the available evidence is currently insufficient to determine the role of this variant in disease. Therefore, it has been classified as a Variant of Uncertain Significance. Algorithms developed to predict the effect of sequence changes on RNA splicing suggest that this variant may disrupt the consensus splice site. This variant has not been reported in the literature in individuals affected with ITGAM-related conditions. This variant is not present in population databases (gnomAD no frequency). This sequence change affects a donor splice site in intron 27 of the ITGAM gene. It is expected to disrupt RNA splicing. Variants that disrupt the donor or acceptor splice site typically lead to a loss of protein function (PMID: 16199547), however the current clinical and genetic evidence is not sufficient to establish whether loss-of-function variants in ITGAM cause disease.

Literature cited by the submitters: PubMed 16199547.